The following is an entry in ClinVar:

NM_173354.5(SIK1):c.512G>A (p.Gly171Glu)

Gene: SIK1 (salt inducible kinase 1; minus strand). Cytogenetic location: 21q22.3.
Variant type: single nucleotide variant.
Coding change: c.512G>A on transcript NM_173354.5 (MANE Select); coding-DNA position 512, G replaced by A.
Protein change: p.Gly171Glu; replaces glycine 171 with glutamic acid.
Molecular consequence: missense variant.
Genome position (GRCh38, 1-based): chr21:43,421,355, C>T on the plus strand (G>A on the coding strand, the complement: SIK1 is on the minus strand). VCF-style: chr21-43421355-C-T. GRCh37 (hg19) VCF-style: chr21-44841235-C-T.
Other names: short protein forms G171E.
Identifiers: ClinVar variation 3252293 (VCV003252293.1), dbSNP rs2516967569.

ClinVar aggregate classification (germline): Uncertain significance (1 of 4 stars; one submission).

Submission:

GeneDx
Classification: Uncertain significance. Last evaluated: 2023-12-07. Review status: criteria provided, single submitter. Criteria: GeneDx Variant Classification Process June 2021. Collection method: clinical testing. Allele origin: germline. Affected: yes.
Comment: Not observed at significant frequency in large population cohorts (gnomAD); In silico analysis supports that this missense variant has a deleterious effect on protein structure/function; Has not been previously published as pathogenic or benign to our knowledge